The following is an entry in ClinVar:

NM_152783.5(D2HGDH):c.1107T>C (p.Asp369=)

Gene: D2HGDH (D-2-hydroxyglutarate dehydrogenase; plus strand). Cytogenetic location: 2q37.3.
Variant type: single nucleotide variant.
Coding change: c.1107T>C on transcript NM_152783.5 (MANE Select); coding-DNA position 1107, T replaced by C.
Protein change: p.Asp369=; no amino-acid change (aspartic acid 369 retained).
Molecular consequence: synonymous variant.
Genome position (GRCh38, 1-based): chr2:241,751,355, T>C. VCF-style: chr2-241751355-T-C. GRCh37 (hg19) VCF-style: chr2-242690770-T-C.
Other names: c.705T>C, p.Asp235= (NM_001287249.2); c.546T>C, p.Asp182= (NM_001352824.2).
Identifiers: ClinVar variation 158407 (VCV000158407.24), dbSNP rs141343442, ClinGen allele CA171818.

ClinVar aggregate classification (germline): Benign/Likely benign. Review status: criteria provided, multiple submitters, no conflicts (2 of 4 stars). 6 submissions from 6 submitters: Benign (3); Likely benign (2). 1 of the submissions does not count toward it. Last evaluated 2026-02-03.

Conditions:
D-2-hydroxyglutaric aciduria 1 (D2HGA1). Identifiers: Orphanet 79315, MedGen C3152055, MONDO:0024554, OMIM 600721.

Allele frequency attached by ClinVar (database versions not stated): gnomAD 0.03691 and 0.03870; gnomAD exomes 0.04860 and 0.05396; ExAC 0.05349; 1000 Genomes Project 30x 0.02967; 1000 Genomes Project 0.03115; TOPMed 0.03342; ESP Exome Variant Server 0.03393.
gnomAD v4.1: 76,790 of 1,613,616 alleles (4.8%); highest among the groups gnomAD compares: South Asian, 10%; 2,234 homozygotes.

Submissions (6):

Labcorp Genetics (formerly Invitae), Labcorp
Classification: Benign for D-2-hydroxyglutaric aciduria 1. Last evaluated: 2026-02-03. Review status: criteria provided, single submitter. Criteria: Invitae Variant Classification Sherloc (09022015). Collection method: clinical testing. Allele origin: germline.

GeneDx
Classification: Benign. Last evaluated: 2021-05-04. Review status: criteria provided, single submitter. Criteria: GeneDx Variant Classification Process June 2021. Collection method: clinical testing. Allele origin: germline. Affected: yes.

Illumina Laboratory Services, Illumina
Classification: Benign for D-2-hydroxyglutaric aciduria 1. Last evaluated: 2018-01-13. Review status: criteria provided, single submitter. Criteria: ICSL Variant Classification Criteria 13 December 2019. Collection method: clinical testing. Allele origin: germline.
Comment: This variant was observed in the ICSL laboratory as part of a predisposition screen in an ostensibly healthy population. It had not been previously curated by ICSL or reported in the Human Gene Mutation Database (HGMD: prior to June 1st, 2018), and was therefore a candidate for classification through an automated scoring system. Utilizing variant allele frequency, disease prevalence and penetrance estimates, and inheritance mode, an automated score was calculated to assess if this variant is too frequent to cause the disease. Based on the score and internal cut-off values, a variant classified as benign is not then subjected to further curation. The score for this variant resulted in a classification of benign for this disease.

Genetic Services Laboratory, University of Chicago
Classification: Likely benign. Last evaluated: 2013-10-31. Review status: criteria provided, single submitter. Criteria: ACMG Guidelines, 2007. Collection method: clinical testing. Allele origin: germline. Inheritance: Autosomal recessive inheritance.
Comment: Likely benign based on allele frequency in 1000 Genomes Project or ESP global frequency and its presence in a patient with a rare or unrelated disease phenotype. NOT Sanger confirmed

Breakthrough Genomics
Classification: Likely benign. Review status: criteria provided, single submitter. Criteria: ACMG Guidelines, 2015. Collection method: not provided. Allele origin: germline. Inheritance: Autosomal recessive inheritance. Affected: yes.

Mayo Clinic Laboratories, Mayo Clinic
Classification: Benign. Last evaluated: 2016-02-22. Review status: no assertion criteria provided. Collection method: clinical testing. Allele origin: unknown. Not counted in ClinVar's aggregate classification.